The following is an entry in ClinVar:

ClinVar aggregate classification (germline): Uncertain significance (1 of 4 stars; one submission).

Conditions:
Cortical dysplasia-focal epilepsy syndrome (PTHSL1). Also called: Pitt-Hopkins-like syndrome 1. Identifiers: Orphanet 163681, Orphanet 221150, MedGen C2750246, MONDO:0012400, OMIM 610042.

Submission:

Labcorp Genetics (formerly Invitae), Labcorp
Classification: Uncertain significance for Cortical dysplasia-focal epilepsy syndrome. Last evaluated: 2022-11-22. Review status: criteria provided, single submitter. Criteria: Invitae Variant Classification Sherloc (09022015). Collection method: clinical testing. Allele origin: germline.
Comment: In summary, the available evidence is currently insufficient to determine the role of this variant in disease. Therefore, it has been classified as a Variant of Uncertain Significance. Algorithms developed to predict the effect of missense changes on protein structure and function are either unavailable or do not agree on the potential impact of this missense change (SIFT: "Deleterious"; PolyPhen-2: "Benign"; Align-GVGD: "Class C0"). ClinVar contains an entry for this variant (Variation ID: 1466757). This variant has not been reported in the literature in individuals affected with CNTNAP2-related conditions. This variant is not present in population databases (gnomAD no frequency). This sequence change replaces glutamine, which is neutral and polar, with leucine, which is neutral and non-polar, at codon 1196 of the CNTNAP2 protein (p.Gln1196Leu).

NM_014141.6(CNTNAP2):c.3587A>T (p.Gln1196Leu)

Gene: CNTNAP2 (contactin associated protein 2; plus strand). Cytogenetic location: 7q36.1.
Variant type: single nucleotide variant.
Coding change: c.3587A>T on transcript NM_014141.6 (MANE Select); coding-DNA position 3587, A replaced by T.
Protein change: p.Gln1196Leu; replaces glutamine 1196 with leucine.
Molecular consequence: missense variant.
Genome position (GRCh38, 1-based): chr7:148,383,760, A>T. VCF-style: chr7-148383760-A-T. GRCh37 (hg19) VCF-style: chr7-148080852-A-T.
Other names: short protein forms Q1196L.
Identifiers: ClinVar variation 1466757 (VCV001466757.8), dbSNP rs2116659507, ClinGen allele CA369704583.